The following is an entry in ClinVar:

ClinVar aggregate classification (germline): Uncertain significance (1 of 4 stars; one submission).

gnomAD v4.1: 12 of 1,614,102 alleles (0.00074%); highest among the groups gnomAD compares: African/African-American, 0.0093%; no homozygotes.

Submission:

Labcorp Genetics (formerly Invitae), Labcorp
Classification: Uncertain significance. Last evaluated: 2022-10-13. Review status: criteria provided, single submitter. Criteria: Invitae Variant Classification Sherloc (09022015). Collection method: clinical testing. Allele origin: germline.
Comment: This sequence change replaces alanine, which is neutral and non-polar, with serine, which is neutral and polar, at codon 1296 of the ERCC6 protein (p.Ala1296Ser). This variant is present in population databases (rs139509516, gnomAD 0.006%). This variant has not been reported in the literature in individuals affected with ERCC6-related conditions. Advanced modeling of protein sequence and biophysical properties (such as structural, functional, and spatial information, amino acid conservation, physicochemical variation, residue mobility, and thermodynamic stability) performed at Invitae indicates that this missense variant is not expected to disrupt ERCC6 protein function. In summary, the available evidence is currently insufficient to determine the role of this variant in disease. Therefore, it has been classified as a Variant of Uncertain Significance.

NM_000124.4(ERCC6):c.3886G>T (p.Ala1296Ser)

Gene: ERCC6 (ERCC excision repair 6, chromatin remodeling factor; minus strand). Cytogenetic location: 10q11.23.
Variant type: single nucleotide variant.
Coding change: c.3886G>T on transcript NM_000124.4 (MANE Select); coding-DNA position 3886, G replaced by T.
Protein change: p.Ala1296Ser; replaces alanine 1296 with serine.
Molecular consequence: missense variant.
Genome position (GRCh38, 1-based): chr10:49,461,449, C>A on the plus strand (G>T on the coding strand, the complement: ERCC6 is on the minus strand). VCF-style: chr10-49461449-C-A. GRCh37 (hg19) VCF-style: chr10-50669495-C-A.
Other names: c.3886G>T, p.Ala1296Ser (NM_001346440.2); short protein forms A1296S.
Identifiers: ClinVar variation 2159342 (VCV002159342.1), dbSNP rs139509516, ClinGen allele CA5495245.
Genomic context (GRCh38, chr10:49,461,449, plus strand): 5'-CAGTCCAGGTGGGAACACCAGACACTGCTCCCAGACACCGCTGACGAGAGAGCCTCAGTG[C>A]TTTCAGGGCATCCTGGGCCACTCGGTTGGCTTCTGCCTCCACCAGTACATAATCTGGGCT-3'
Protein context (NP_000115.1, residues 1286-1306): ANRVAQDALK[Ala1296Ser]LRLSRQRCLG